The following is an entry in ClinVar:

ClinVar aggregate classification (germline): Uncertain significance (1 of 4 stars; one submission).

Submission:

Labcorp Genetics (formerly Invitae), Labcorp
Classification: Uncertain significance. Last evaluated: 2021-10-24. Review status: criteria provided, single submitter. Criteria: Invitae Variant Classification Sherloc (09022015). Collection method: clinical testing. Allele origin: germline.
Comment: In summary, the available evidence is currently insufficient to determine the role of this variant in disease. Therefore, it has been classified as a Variant of Uncertain Significance. Variants that disrupt the consensus splice site are a relatively common cause of aberrant splicing (PMID: 17576681, 9536098). Algorithms developed to predict the effect of sequence changes on RNA splicing suggest that this variant may disrupt the consensus splice site. Algorithms developed to predict the effect of missense changes on protein structure and function are either unavailable or do not agree on the potential impact of this missense change (SIFT: "Tolerated"; PolyPhen-2: "Possibly Damaging"; Align-GVGD: "Class C0"). This variant has not been reported in the literature in individuals affected with NCSTN-related conditions. This variant is not present in population databases (ExAC no frequency). This sequence change replaces glycine with serine at codon 146 of the NCSTN protein (p.Gly146Ser). The glycine residue is highly conserved and there is a small physicochemical difference between glycine and serine. This variant also falls at the last nucleotide of exon 4, which is part of the consensus splice site for this exon.

Literature cited by the submitters: PubMed 17576681; PubMed 9536098.

NM_015331.3(NCSTN):c.436G>A (p.Gly146Ser)

Gene: NCSTN (nicastrin; plus strand). Cytogenetic location: 1q23.2.
Variant type: single nucleotide variant.
Coding change: c.436G>A on transcript NM_015331.3 (MANE Select); coding-DNA position 436, G replaced by A.
Protein change: p.Gly146Ser; replaces glycine 146 with serine.
Molecular consequence: missense variant.
Genome position (GRCh38, 1-based): chr1:160,349,670, G>A. VCF-style: chr1-160349670-G-A. GRCh37 (hg19) VCF-style: chr1-160319460-G-A.
Other names: c.376G>A, p.Gly126Ser (NM_001290184.2); c.436G>A, p.Gly146Ser (NM_001290186.2, NM_001349729.2); short protein forms G126S, G146S.
Identifiers: ClinVar variation 1388984 (VCV001388984.6), dbSNP rs2101899006, ClinGen allele CA343277471.